The following is an entry in ClinVar:

ClinVar aggregate classification (germline): Likely benign. Review status: criteria provided, multiple submitters, no conflicts (2 of 4 stars). 3 submissions from 3 submitters: Likely benign (3). Last evaluated 2025-12-01.

Conditions:
Muscular dystrophy-dystroglycanopathy type B6 (MDDGB6). Also called: MUSCULAR DYSTROPHY, CONGENITAL, LARGE-RELATED; MUSCULAR DYSTROPHY, CONGENITAL, TYPE 1D; MUSCULAR DYSTROPHY-DYSTROGLYCANOPATHY (CONGENITAL WITH IMPAIRED INTELLECTUAL DEVELOPMENT), TYPE B, 6. Identifiers: MedGen C1837229, MONDO:0012138, OMIM 608840.

Allele frequency attached by ClinVar (database versions not stated): gnomAD 0.00001 and 0.00002; gnomAD exomes 0.00002; TOPMed 0.00002; ExAC 0.00003.
gnomAD v4.1: 46 of 1,614,232 alleles (0.0028%); highest among the groups gnomAD compares: Middle Eastern, 0.033%; no homozygotes.

Submissions (3):

Labcorp Genetics (formerly Invitae), Labcorp
Classification: Likely benign for Muscular dystrophy-dystroglycanopathy type B6. Last evaluated: 2025-12-01. Review status: criteria provided, single submitter. Criteria: Invitae Variant Classification Sherloc (09022015). Collection method: clinical testing. Allele origin: germline.

CeGaT Center for Human Genetics Tuebingen
Classification: Likely benign. Last evaluated: 2022-06-01. Review status: criteria provided, single submitter. Criteria: CeGaT Center For Human Genetics Tuebingen Variant Classification Criteria Version 2. Collection method: clinical testing. Allele origin: germline. Affected: yes. Observed: 1 variant allele.
Comment: LARGE1: BP4, BP7

Breakthrough Genomics
Classification: Likely benign. Review status: criteria provided, single submitter. Criteria: ACMG Guidelines, 2015. Collection method: not provided. Allele origin: germline. Inheritance: Autosomal recessive inheritance. Affected: yes.

NM_133642.5(LARGE1):c.1902C>T (p.His634=)

Gene: LARGE1 (LARGE xylosyl- and glucuronyltransferase 1; minus strand). Cytogenetic location: 22q12.3.
Variant type: single nucleotide variant.
Coding change: c.1902C>T on transcript NM_133642.5 (MANE Select); coding-DNA position 1902, C replaced by T.
Protein change: p.His634=; no amino-acid change (histidine 634 retained).
Molecular consequence: synonymous variant.
Genome position (GRCh38, 1-based): chr22:33,277,231, G>A on the plus strand (C>T on the coding strand, the complement: LARGE1 is on the minus strand). VCF-style: chr22-33277231-G-A. GRCh37 (hg19) VCF-style: chr22-33673217-G-A.
Other names: c.1902C>T, p.His634= (NM_001362949.2, NM_001362951.2, NM_001362953.2 and 4 more transcripts); c.1755C>T, p.His585= (NM_001378627.1, NM_001378628.1); c.1746C>T, p.His582= (NM_001378629.1); c.1299C>T, p.His433= (NM_001378630.1); c.996C>T, p.His332= (NM_001378631.1).
Identifiers: ClinVar variation 703585 (VCV000703585.33), dbSNP rs754149838, ClinGen allele CA10202610.